The following is an entry in ClinVar:

ClinVar aggregate classification (germline): Likely pathogenic (1 of 4 stars; one submission).

Conditions:
Diamond-Blackfan anemia 8 (DBA8). Also called: RPS7-Related Diamond-Blackfan Anemia. Identifiers: Orphanet 124, MedGen C2675511, MONDO:0012939, OMIM 612563.

Submission:

Labcorp Genetics (formerly Invitae), Labcorp
Classification: Likely pathogenic for Diamond-Blackfan anemia 8. Last evaluated: 2025-02-10. Review status: criteria provided, single submitter. Criteria: Invitae Variant Classification Sherloc (09022015). Collection method: clinical testing. Allele origin: germline.
Comment: This sequence change affects a donor splice site in intron 2 of the RPS7 gene. It is expected to disrupt RNA splicing. Variants that disrupt the donor or acceptor splice site typically lead to a loss of protein function (PMID: 16199547), and loss-of-function variants in RPS7 are known to be pathogenic (PMID: 23718193, 25424902). This variant is not present in population databases (gnomAD no frequency). Disruption of this splice site has been observed in individual(s) with clinical features of Diamond-Blackfan anemia (PMID: 32054657, 33718801). Algorithms developed to predict the effect of sequence changes on RNA splicing suggest that this variant may disrupt the consensus splice site. In summary, the currently available evidence indicates that the variant is pathogenic, but additional data are needed to prove that conclusively. Therefore, this variant has been classified as Likely Pathogenic.

Literature cited by the submitters: PubMed 16199547; PubMed 23718193; PubMed 25424902; PubMed 32054657; PubMed 33718801.

NM_001011.4(RPS7):c.75+2T>G

Gene: RPS7 (ribosomal protein S7; plus strand). Cytogenetic location: 2p25.3.
Variant type: single nucleotide variant.
Coding change: c.75+2T>G on transcript NM_001011.4 (MANE Select); the canonical splice donor site of the intron after coding-DNA position 75, T replaced by G.
Molecular consequence: splice donor variant.
Genome position (GRCh38, 1-based): chr2:3,575,686, T>G. VCF-style: chr2-3575686-T-G. GRCh37 (hg19) VCF-style: chr2-3623276-T-G.
Identifiers: ClinVar variation 4763762 (VCV004763762.1).
Genomic context (GRCh38, chr2:3,575,686, plus strand): 5'-CCAAGATCGTGAAGCCCAATGGCGAGAAGCCGGACGAGTTCGAGTCCGGCATCTCCCAGG[T>G]GAGAGGGTTTCCCTGGGGTCTGGGGTGGGGGGAGGCGCCCCGCCCGGGAGGGGAGGCGGC-3'